The following is an entry in ClinVar:

NC_000003.11:g.(?_129168694)_(129236457_?)dup

Gene: IFT122 (intraflagellar transport 122; plus strand). Cytogenetic location: 3q21.3-22.1.
Variant type: Duplication.
Identifiers: ClinVar variation 3246869 (VCV003246869.1).

ClinVar aggregate classification (germline): Likely pathogenic (1 of 4 stars; one submission).

Conditions:
Cranioectodermal dysplasia 1 (CED1). Also called: LEVIN SYNDROME I. Identifiers: Orphanet 1515, MedGen C0432235, MONDO:0021093, OMIM 218330.

Submission:

Labcorp Genetics (formerly Invitae), Labcorp
Classification: Likely pathogenic for Cranioectodermal dysplasia 1. Last evaluated: 2023-07-25. Review status: criteria provided, single submitter. Criteria: Invitae Variant Classification Sherloc (09022015). Collection method: clinical testing. Allele origin: unknown.
Comment: In summary, the currently available evidence indicates that the variant is pathogenic, but additional data are needed to prove that conclusively. Therefore, this variant has been classified as Likely Pathogenic. This variant has not been reported in the literature in individuals affected with IFT122-related conditions. This variant results in a copy number gain of the genomic region encompassing exon(s) 2-28 of the IFT122 gene. While the exact position of this variant cannot be determined from the data, sub-genic copy number gains are generally in tandem (PMID: 25640679). This variant is predicted to be out-of-frame, and may result in an absent or disrupted protein product. Loss-of-function variants in IFT122 are known to be pathogenic (PMID: 20493458, 23826986, 26792575).

Literature cited by the submitters: PubMed 25640679; PubMed 20493458; PubMed 23826986; PubMed 26792575.